The following is an entry in ClinVar:

NM_052947.4(ALPK2):c.3131C>A (p.Ser1044Tyr)

Gene: ALPK2 (alpha kinase 2; minus strand). Cytogenetic location: 18q21.31.
Variant type: single nucleotide variant.
Coding change: c.3131C>A on transcript NM_052947.4 (MANE Select); coding-DNA position 3131, C replaced by A.
Protein change: p.Ser1044Tyr; replaces serine 1044 with tyrosine.
Molecular consequence: missense variant.
Genome position (GRCh38, 1-based): chr18:58,537,056, G>T on the plus strand (C>A on the coding strand, the complement: ALPK2 is on the minus strand). VCF-style: chr18-58537056-G-T. GRCh37 (hg19) VCF-style: chr18-56204288-G-T.
Other names: short protein forms S1044Y.
Identifiers: ClinVar variation 3228675 (VCV003228675.1), dbSNP rs769096264, ClinGen allele CA402569042.
Genomic context (GRCh38, chr18:58,537,056, plus strand): 5'-GCACCACTTAAAATATGATCCAACTGCACTTGGGAAGGAAATTGGGAAACCTTTTCATGG[G>T]ATGCACGAGGGAACCTCTCCTCAGTGCCACCTGCATGCTTGTCCTCAGGAATTGACACAG-3'
Protein context (NP_443179.3, residues 1034-1054): GGTEERFPRA[Ser1044Tyr]HEKVSQFPSQ

ClinVar aggregate classification (germline): Uncertain significance (1 of 4 stars; one submission).

Submission:

Ambry Genetics
Classification: Uncertain significance. Last evaluated: 2024-03-06. Review status: criteria provided, single submitter. Criteria: Ambry Variant Classification Scheme 2023. Collection method: clinical testing. Allele origin: germline.
Comment: The p.S1044Y variant (also known as c.3131C>A), located in coding exon 4 of the ALPK2 gene, results from a C to A substitution at nucleotide position 3131. The serine at codon 1044 is replaced by tyrosine, an amino acid with dissimilar properties. This amino acid position is conserved. In addition, this alteration is predicted to be tolerated by in silico analysis. Based on the available evidence, the clinical significance of this alteration remains unclear.